The following is an entry in ClinVar:

NM_000059.4(BRCA2):c.8612A>G (p.Glu2871Gly)

Gene: BRCA2 (BRCA2 DNA repair associated; plus strand). Cytogenetic location: 13q13.1.
Variant type: single nucleotide variant.
Coding change: c.8612A>G on transcript NM_000059.4 (MANE Select); coding-DNA position 8612, A replaced by G.
Protein change: p.Glu2871Gly; replaces glutamic acid 2871 with glycine.
Molecular consequence: missense variant.
Genome position (GRCh38, 1-based): chr13:32,371,080, A>G. VCF-style: chr13-32371080-A-G. GRCh37 (hg19) VCF-style: chr13-32945217-A-G.
Other names: short protein forms E2871G.
Identifiers: ClinVar variation 923154 (VCV000923154.16), dbSNP rs1566249398, ClinGen allele CA387752930.

ClinVar aggregate classification (germline): Conflicting classifications of pathogenicity. Review status: criteria provided, conflicting classifications (1 of 4 stars). 4 submissions from 4 submitters: Uncertain significance (3); Likely benign (1). Last evaluated 2025-12-30.

Conditions:
Hereditary cancer-predisposing syndrome. Also called: Tumor predisposition; Hereditary neoplastic syndrome; Hereditary Cancer Syndrome; Neoplastic Syndromes, Hereditary. Identifiers: Orphanet 140162, MedGen C0027672, MeSH D009386, MONDO:0015356.
Hereditary breast ovarian cancer syndrome. Also called: Hereditary breast and ovarian cancer; Breast and ovarian cancer; BRCA1- and BRCA2-Associated Hereditary Breast and Ovarian Cancer; Hereditary breast and ovarian cancer syndrome (HBOC); Hereditary breast and/or ovarian cancer syndrome; Hereditary breast and ovarian cancer syndrome. Identifiers: Orphanet 145, MedGen C0677776, MeSH D061325, MONDO:0003582. Disease mechanism: loss of function.

Submissions (4):

Ambry Genetics
Classification: Likely benign for Hereditary cancer-predisposing syndrome. Last evaluated: 2025-12-30. Review status: criteria provided, single submitter. Criteria: Ambry Variant Classification Scheme 2023. Collection method: clinical testing. Allele origin: germline.

Color Diagnostics, LLC DBA Color Health
Classification: Uncertain significance for Hereditary cancer-predisposing syndrome. Last evaluated: 2023-12-05. Review status: criteria provided, single submitter. Criteria: ACMG Guidelines, 2015. Collection method: clinical testing. Allele origin: germline.
Comment: This missense variant replaces glutamic acid with glycine at codon 2871 of the BRCA2 protein. Computational prediction tools and conservation analyses suggest that this variant may not impact the protein function. Computational splicing tools suggest that this variant may not impact RNA splicing. To our knowledge, functional assays have not been performed for this variant nor has this variant been reported in individuals affected with hereditary cancer in the literature. This variant has not been identified in the general population by the Genome Aggregation Database (gnomAD). Available evidence is insufficient to determine the role of this variant in disease conclusively. Therefore, this variant is classified as a Variant of Uncertain Significance.

Labcorp Genetics (formerly Invitae), Labcorp
Classification: Uncertain significance for Hereditary breast ovarian cancer syndrome. Last evaluated: 2022-07-12. Review status: criteria provided, single submitter. Criteria: Invitae Variant Classification Sherloc (09022015). Collection method: clinical testing. Allele origin: germline.
Comment: ClinVar contains an entry for this variant (Variation ID: 923154). This sequence change replaces glutamic acid, which is acidic and polar, with glycine, which is neutral and non-polar, at codon 2871 of the BRCA2 protein (p.Glu2871Gly). This variant is not present in population databases (gnomAD no frequency). This variant has not been reported in the literature in individuals affected with BRCA2-related conditions. Advanced modeling of protein sequence and biophysical properties (such as structural, functional, and spatial information, amino acid conservation, physicochemical variation, residue mobility, and thermodynamic stability) performed at Invitae indicates that this missense variant is not expected to disrupt BRCA2 protein function. In summary, the available evidence is currently insufficient to determine the role of this variant in disease. Therefore, it has been classified as a Variant of Uncertain Significance.

Sema4
Classification: Uncertain significance for Hereditary cancer-predisposing syndrome. Last evaluated: 2021-10-22. Review status: criteria provided, single submitter. Criteria: Sema4 Curation Guidelines. Collection method: curation. Allele origin: germline.
Comment: The BRCA2 c.8612A>G (p.E2871G) variant has not been reported in the literature to our knowledge. It was not observed in the large and broad cohorts of the Genome Aggregation Database (PMID: 32461654). The variant has been reported in ClinVar (Variation ID 923154). In silico tools suggest the impact of the variant on protein function is benign, though these predictions have not been confirmed by functional studies. The evidence is insufficient to meet ACMG/AMP criteria for classifying the variant as benign or pathogenic. Thus, the clinical significance of this variant is currently uncertain.